The following is an entry in ClinVar:

ClinVar aggregate classification (germline): Uncertain significance. Review status: criteria provided, multiple submitters, no conflicts (2 of 4 stars). 2 submissions from 2 submitters: Uncertain significance (2). Last evaluated 2024-06-06.

Conditions:
Familial cancer of breast. Also called: Hereditary breast cancer; hereditary breast carcinoma; BREAST CANCER, FAMILIAL. Identifiers: Orphanet 227535, MedGen C0346153, MONDO:0016419, OMIM 114480. Disease mechanism: loss of function.
Hereditary cancer-predisposing syndrome. Also called: Neoplastic Syndromes, Hereditary; Hereditary Cancer Syndrome; Tumor predisposition; Hereditary neoplastic syndrome. Identifiers: Orphanet 140162, MedGen C0027672, MeSH D009386, MONDO:0015356.

Submissions (2):

Labcorp Genetics (formerly Invitae), Labcorp
Classification: Uncertain significance for Familial cancer of breast. Last evaluated: 2024-06-06. Review status: criteria provided, single submitter. Criteria: Invitae Variant Classification Sherloc (09022015). Collection method: clinical testing. Allele origin: germline.
Comment: This sequence change replaces methionine, which is neutral and non-polar, with lysine, which is basic and polar, at codon 304 of the CHEK2 protein (p.Met304Lys). This variant is not present in population databases (gnomAD no frequency). This missense change has been observed in individual(s) with clinical features of CHEK2-related conditions (PMID: 31159747). ClinVar contains an entry for this variant (Variation ID: 584523). An algorithm developed to predict the effect of missense changes on protein structure and function (PolyPhen-2) suggests that this variant is likely to be disruptive. In summary, the available evidence is currently insufficient to determine the role of this variant in disease. Therefore, it has been classified as a Variant of Uncertain Significance.

GeneKor MSA
Classification: Uncertain significance for Hereditary cancer-predisposing syndrome. Last evaluated: 2018-08-01. Review status: criteria provided, single submitter. Criteria: ACMG Guidelines, 2015. Collection method: clinical testing. Allele origin: germline. Affected: yes.

Literature cited by the submitters: PubMed 31159747 (cited by Labcorp Genetics (formerly Invitae), Labcorp).

NM_007194.4(CHEK2):c.911T>A (p.Met304Lys)

Gene: CHEK2 (checkpoint kinase 2; minus strand). Cytogenetic location: 22q12.1.
Variant type: single nucleotide variant.
Coding change: c.911T>A on transcript NM_007194.4 (MANE Select); coding-DNA position 911, T replaced by A.
Protein change: p.Met304Lys; replaces methionine 304 with lysine.
Molecular consequence: missense variant.
Genome position (GRCh38, 1-based): chr22:28,699,935, A>T on the plus strand (T>A on the coding strand, the complement: CHEK2 is on the minus strand). VCF-style: chr22-28699935-A-T. GRCh37 (hg19) VCF-style: chr22-29095923-A-T.
Other names: c.1040T>A, p.Met347Lys (NM_001005735.3); c.248T>A, p.Met83Lys (NM_001257387.3); c.710T>A, p.Met237Lys (NM_001349956.3); c.911T>A, p.Met304Lys (NM_145862.3); short protein forms M304K, M237K, M347K, M83K.
Identifiers: ClinVar variation 584523 (VCV000584523.3), dbSNP rs587782033, ClinGen allele CA411100203.
Genomic context (GRCh38, chr22:28,699,935, plus strand): 5'-CAGGTAGCTTCTTTCAGGCGTTTATTCCCCACCACTTTGTCAAACAGCTCTCCCCCTTCC[A>T]TCCTGAAACACAAAGGCAAGGCAAGGGGTTCATTCCTGGGGGAAAACGCACTTGGACAGA-3'
Protein context (NP_009125.1, residues 294-314): AEDYYIVLEL[Met304Lys]EGGELFDKVV